The following is an entry in ClinVar:

ClinVar aggregate classification (germline): Uncertain significance (1 of 4 stars; one submission).

Submission:

Greenwood Genetic Center Diagnostic Laboratories, Greenwood Genetic Center
Classification: Uncertain significance. Last evaluated: 2023-04-24. Review status: criteria provided, single submitter. Criteria: ACMG Guidelines, 2015. Collection method: clinical testing. Allele origin: germline. Affected: yes.
Comment: PM2

NM_017780.4(CHD7):c.-175G>A

Gene: CHD7 (chromodomain helicase DNA binding protein 7; plus strand). Cytogenetic location: 8q12.2.
Variant type: single nucleotide variant.
Coding change: c.-175G>A on transcript NM_017780.4 (MANE Select); 175 bases upstream of the start codon, G replaced by A.
Molecular consequence: 5 prime UTR variant.
Genome position (GRCh38, 1-based): chr8:60,679,082, G>A. VCF-style: chr8-60679082-G-A. GRCh37 (hg19) VCF-style: chr8-61591641-G-A.
Identifiers: ClinVar variation 2572361 (VCV002572361.1), dbSNP rs1805423326, ClinGen allele CA1788040473.